The following is an entry in ClinVar:

ClinVar aggregate classification (germline): Benign/Likely benign. Review status: criteria provided, multiple submitters, no conflicts (2 of 4 stars). 8 submissions from 8 submitters: Benign (7); Likely benign (1). Last evaluated 2026-02-02.

Conditions:
Atypical hemolytic-uremic syndrome with I factor anomaly. Also called: HEMOLYTIC UREMIC SYNDROME, ATYPICAL, SUSCEPTIBILITY TO, 3; AHUS, SUSCEPTIBILITY TO, 3. Identifiers: Orphanet 2134, MedGen C2752039, MONDO:0013041, OMIM 612923.
CFI-related disorder. Also called: CFI-related disorders; CFI-related condition. Identifiers: MedGen CN239325.
Focal segmental glomerulosclerosis (FSGS). Also called: Glomerulosclerosis, focal; Focal sclerosis with hyalinosis. Identifiers: MedGen C0017668, MONDO:0100313, HP:0000097. Disease mechanism: loss of function.

Allele frequency attached by ClinVar (database versions not stated): TOPMed 0.00605; gnomAD exomes 0.00708 and 0.01682; gnomAD 0.00866 and 0.00599; ExAC 0.01688; 1000 Genomes Project 30x 0.03623; 1000 Genomes Project 0.03814; ESP Exome Variant Server 0.00123.
gnomAD v4.1: 12,050 of 1,613,494 alleles (0.75%); highest among the groups gnomAD compares: East Asian, 9.9%; 420 homozygotes.

Submissions (8):

Labcorp Genetics (formerly Invitae), Labcorp
Classification: Benign. Last evaluated: 2026-02-02. Review status: criteria provided, single submitter. Criteria: Invitae Variant Classification Sherloc (09022015). Collection method: clinical testing. Allele origin: germline.

Genomenon, Inc
Classification: Benign for CFI-related disorder. Last evaluated: 2025-09-26. Review status: criteria provided, single submitter. Criteria: Genomenon Sequence Variant Interpretation Standards - Updated. Collection method: curation. Allele origin: germline. Affected: no.
Comment: CFI p.Arg406His (c.1217G>A) is a missense variant that changes the amino acid at residue 406 from Arginine to Histidine. This variant is present at high allele frequency in population databases. In conclusion, we classify CFI p.Arg406His (c.1217G>A) as a benign variant.

Blueprint Genetics
Classification: Likely benign. Last evaluated: 2024-11-25. Review status: criteria provided, single submitter. Criteria: ACMG Guidelines, 2015. Collection method: clinical testing. Allele origin: germline.

Mayo Clinic Laboratories, Mayo Clinic
Classification: Benign. Last evaluated: 2022-09-23. Review status: criteria provided, single submitter. Criteria: ACMG Guidelines, 2015. Collection method: clinical testing. Allele origin: germline. Observed: 54 variant alleles.
Comment: BA1

Genome Diagnostics Laboratory, The Hospital for Sick Children
Classification: Benign for Focal segmental glomerulosclerosis. Last evaluated: 2022-09-09. Review status: criteria provided, single submitter. Criteria: ACMG Guidelines, 2015. Collection method: clinical testing. Allele origin: germline.

Mendelics
Classification: Benign for Atypical hemolytic-uremic syndrome with I factor anomaly. Last evaluated: 2019-05-28. Review status: criteria provided, single submitter. Criteria: Mendelics Assertion Criteria 2017. Collection method: clinical testing. Allele origin: unknown.

Illumina Laboratory Services, Illumina
Classification: Benign for Atypical hemolytic-uremic syndrome with I factor anomaly. Last evaluated: 2017-04-27. Review status: criteria provided, single submitter. Criteria: ICSL Variant Classification Criteria 13 December 2019. Collection method: clinical testing. Allele origin: germline.
Comment: This variant was observed as part of a predisposition screen in an ostensibly healthy population. A literature search was performed for the gene, cDNA change, and amino acid change (where applicable). Publications were found based on this search. The evidence from the literature, in combination with allele frequency data from public databases where available, was sufficient to rule this variant out of causing disease. Therefore, this variant is classified as benign.

Breakthrough Genomics
Classification: Benign. Review status: criteria provided, single submitter. Criteria: ACMG Guidelines, 2015. Collection method: not provided. Allele origin: germline. Inheritance: Autosomal recessive inheritance. Affected: yes.

Literature cited by the submitters: PubMed 18825487 (cited by Illumina Laboratory Services, Illumina).

NM_000204.5(CFI):c.1217G>A (p.Arg406His)

Gene: CFI (complement factor I; minus strand). Cytogenetic location: 4q25.
Variant type: single nucleotide variant.
Coding change: c.1217G>A on transcript NM_000204.5 (MANE Select); coding-DNA position 1217, G replaced by A.
Protein change: p.Arg406His; replaces arginine 406 with histidine.
Molecular consequence: missense variant. On other transcripts: non-coding transcript variant (2).
Genome position (GRCh38, 1-based): chr4:109,746,434, C>T on the plus strand (G>A on the coding strand, the complement: CFI is on the minus strand). VCF-style: chr4-109746434-C-T. GRCh37 (hg19) VCF-style: chr4-110667590-C-T.
Other names: p.Arg406His; c.1241G>A, p.Arg414His (NM_001318057.2, NM_001375278.1); c.1196G>A, p.Arg399His (NM_001331035.2, NM_001375280.1, NM_001375282.1); c.1217G>A, p.Arg406His (NM_001375279.1, NM_001375281.1); c.1160G>A, p.Arg387His (NM_001375283.1); c.608G>A, p.Arg203His (NM_001375284.1); short protein forms R406H, R399H, R414H, R203H, R387H.
Identifiers: ClinVar variation 347158 (VCV000347158.22), dbSNP rs74817407, ClinGen allele CA3041969.